The following is an entry in ClinVar:

NM_000416.3(IFNGR1):c.680C>A (p.Thr227Lys)

Gene: IFNGR1 (interferon gamma receptor 1; minus strand). Cytogenetic location: 6q23.3.
Variant type: single nucleotide variant.
Coding change: c.680C>A on transcript NM_000416.3 (MANE Select); coding-DNA position 680, C replaced by A.
Protein change: p.Thr227Lys; replaces threonine 227 with lysine.
Molecular consequence: missense variant.
Genome position (GRCh38, 1-based): chr6:137,203,552, G>T on the plus strand (C>A on the coding strand, the complement: IFNGR1 is on the minus strand). VCF-style: chr6-137203552-G-T. GRCh37 (hg19) VCF-style: chr6-137524689-G-T.
Other names: c.650C>A, p.Thr217Lys (NM_001363526.1); c.557C>A, p.Thr186Lys (NM_001363527.1); short protein forms T227K, T186K, T217K.
Identifiers: ClinVar variation 2800071 (VCV002800071.3), dbSNP rs1562285244, ClinGen allele CA365774733.

ClinVar aggregate classification (germline): Uncertain significance (1 of 4 stars; one submission).

Conditions:
Disseminated atypical mycobacterial infection. Identifiers: MedGen C0694566.

Allele frequency attached by ClinVar (database versions not stated): TOPMed below 0.00001.
gnomAD v4.1: 1 of 1,613,248 alleles (0.000062%); highest among the groups gnomAD compares: Non-Finnish European, 0.000085%; no homozygotes.

Submission:

Labcorp Genetics (formerly Invitae), Labcorp
Classification: Uncertain significance for Disseminated atypical mycobacterial infection. Last evaluated: 2023-04-09. Review status: criteria provided, single submitter. Criteria: Invitae Variant Classification Sherloc (09022015). Collection method: clinical testing. Allele origin: germline.
Comment: In summary, the available evidence is currently insufficient to determine the role of this variant in disease. Therefore, it has been classified as a Variant of Uncertain Significance. Advanced modeling of protein sequence and biophysical properties (such as structural, functional, and spatial information, amino acid conservation, physicochemical variation, residue mobility, and thermodynamic stability) performed at Invitae indicates that this missense variant is not expected to disrupt IFNGR1 protein function. This variant has not been reported in the literature in individuals affected with IFNGR1-related conditions. This variant is present in population databases (no rsID available, gnomAD 0.003%). This sequence change replaces threonine, which is neutral and polar, with lysine, which is basic and polar, at codon 227 of the IFNGR1 protein (p.Thr227Lys).